The following is an entry in ClinVar:

ClinVar aggregate classification (germline): Likely benign. Review status: criteria provided, multiple submitters, no conflicts (2 of 4 stars). 2 submissions from 2 submitters: Likely benign (2). Last evaluated 2025-10-06.

Allele frequency attached by ClinVar (database versions not stated): TOPMed 0.00003; ExAC 0.00004; gnomAD 0.00004; gnomAD exomes 0.00005 and 0.00006; ESP Exome Variant Server 0.00015.
gnomAD v4.1: 91 of 1,614,090 alleles (0.0056%); highest among the groups gnomAD compares: Middle Eastern, 0.016%; no homozygotes.

Submissions (2):

Labcorp Genetics (formerly Invitae), Labcorp
Classification: Likely benign. Last evaluated: 2025-10-06. Review status: criteria provided, single submitter. Criteria: Invitae Variant Classification Sherloc (09022015). Collection method: clinical testing. Allele origin: germline.

CeGaT Center for Human Genetics Tuebingen
Classification: Likely benign. Last evaluated: 2022-05-01. Review status: criteria provided, single submitter. Criteria: CeGaT Center For Human Genetics Tuebingen Variant Classification Criteria Version 2. Collection method: clinical testing. Allele origin: germline. Affected: yes. Observed: 1 variant allele.
Comment: EIF2B5: BP4, BP7

NM_003907.3(EIF2B5):c.1048C>T (p.Leu350=)

Gene: EIF2B5 (eukaryotic translation initiation factor 2B subunit epsilon; plus strand). Cytogenetic location: 3q27.1.
Variant type: single nucleotide variant.
Coding change: c.1048C>T on transcript NM_003907.3 (MANE Select); coding-DNA position 1048, C replaced by T.
Protein change: p.Leu350=; no amino-acid change (leucine 350 retained).
Molecular consequence: synonymous variant.
Genome position (GRCh38, 1-based): chr3:184,140,622, C>T. VCF-style: chr3-184140622-C-T. GRCh37 (hg19) VCF-style: chr3-183858410-C-T.
Identifiers: ClinVar variation 1077966 (VCV001077966.32), dbSNP rs369558619, ClinGen allele CA2726575.